The following is an entry in ClinVar:

ClinVar aggregate classification (germline): Uncertain significance (1 of 4 stars; one submission).

Conditions:
Gnathodiaphyseal dysplasia (GDD). Also called: GNATHODIAPHYSEAL SCLEROSIS; OSTEOGENESIS IMPERFECTA WITH UNUSUAL SKELETAL LESIONS. Identifiers: Orphanet 53697, MedGen C1833736, MONDO:0008151, OMIM 166260.
Autosomal recessive limb-girdle muscular dystrophy type 2L (LGMDR12). Also called: Limb-girdle muscular dystrophy, type 2L; MUSCULAR DYSTROPHY, LIMB-GIRDLE, AUTOSOMAL RECESSIVE 12; Limb-Girdle Muscular Dystrophy R12 Anoctamin-5-Related (LGMD-R12). Identifiers: Orphanet 206549, MedGen C1969785, MONDO:0012652, OMIM 611307.

Submission:

Labcorp Genetics (formerly Invitae), Labcorp
Classification: Uncertain significance for Autosomal recessive limb-girdle muscular dystrophy type 2L; Gnathodiaphyseal dysplasia. Last evaluated: 2021-09-19. Review status: criteria provided, single submitter. Criteria: Invitae Variant Classification Sherloc (09022015). Collection method: clinical testing. Allele origin: germline.
Comment: In summary, the available evidence is currently insufficient to determine the role of this variant in disease. Therefore, it has been classified as a Variant of Uncertain Significance. Algorithms developed to predict the effect of missense changes on protein structure and function are either unavailable or do not agree on the potential impact of this missense change (SIFT: "Deleterious"; PolyPhen-2: "Benign"; Align-GVGD: "Class C0"). This variant has not been reported in the literature in individuals affected with ANO5-related conditions. This variant is not present in population databases (ExAC no frequency). This sequence change replaces methionine with leucine at codon 390 of the ANO5 protein (p.Met390Leu). The methionine residue is highly conserved and there is a small physicochemical difference between methionine and leucine.

NM_213599.3(ANO5):c.1168A>T (p.Met390Leu)

Gene: ANO5 (anoctamin 5; plus strand). Cytogenetic location: 11p14.3.
Variant type: single nucleotide variant.
Coding change: c.1168A>T on transcript NM_213599.3 (MANE Select); coding-DNA position 1168, A replaced by T.
Protein change: p.Met390Leu; replaces methionine 390 with leucine.
Molecular consequence: missense variant.
Genome position (GRCh38, 1-based): chr11:22,250,999, A>T. VCF-style: chr11-22250999-A-T. GRCh37 (hg19) VCF-style: chr11-22272545-A-T.
Other names: c.1165A>T, p.Met389Leu (NM_001142649.2); short protein forms M389L, M390L.
Identifiers: ClinVar variation 1506321 (VCV001506321.6), dbSNP rs1853797522, ClinGen allele CA379921303.
Genomic context (GRCh38, chr11:22,250,999, plus strand): 5'-TTATTTTTACAGTTCTCCCATTTGTTTGATAATGAGTCAACAGTGTTCTTTGCAATATTC[A>T]TGGGAATTTGGGGTGAGTAAATAGTCCCATAAAGAAACAGCTTTCTTCCTATTAATGTGT-3'
Protein context (NP_998764.1, residues 380-400): NESTVFFAIF[Met390Leu]GIWVTLFLEF